The following is an entry in ClinVar:

ClinVar aggregate classification (germline): Uncertain significance (1 of 4 stars; one submission).

Submission:

Labcorp Genetics (formerly Invitae), Labcorp
Classification: Uncertain significance. Last evaluated: 2022-12-13. Review status: criteria provided, single submitter. Criteria: Invitae Variant Classification Sherloc (09022015). Collection method: clinical testing. Allele origin: germline.
Comment: In summary, the available evidence is currently insufficient to determine the role of this variant in disease. Therefore, it has been classified as a Variant of Uncertain Significance. Advanced modeling of protein sequence and biophysical properties (such as structural, functional, and spatial information, amino acid conservation, physicochemical variation, residue mobility, and thermodynamic stability) performed at Invitae indicates that this missense variant is not expected to disrupt ZMIZ1 protein function. ClinVar contains an entry for this variant (Variation ID: 1718855). This variant has not been reported in the literature in individuals affected with ZMIZ1-related conditions. This variant is not present in population databases (gnomAD no frequency). This sequence change replaces alanine, which is neutral and non-polar, with serine, which is neutral and polar, at codon 274 of the ZMIZ1 protein (p.Ala274Ser).

NM_020338.4(ZMIZ1):c.820G>T (p.Ala274Ser)

Gene: ZMIZ1 (zinc finger MIZ-type containing 1; plus strand). Cytogenetic location: 10q22.3.
Variant type: single nucleotide variant.
Coding change: c.820G>T on transcript NM_020338.4 (MANE Select); coding-DNA position 820, G replaced by T.
Protein change: p.Ala274Ser; replaces alanine 274 with serine.
Molecular consequence: missense variant.
Genome position (GRCh38, 1-based): chr10:79,292,219, G>T. VCF-style: chr10-79292219-G-T. GRCh37 (hg19) VCF-style: chr10-81051976-G-T.
Other names: short protein forms A274S.
Identifiers: ClinVar variation 1718855 (VCV001718855.5), dbSNP rs2493829680, ClinGen allele CA377332897.